The following is an entry in ClinVar:

ClinVar aggregate classification (germline): Uncertain significance. Review status: criteria provided, single submitter (1 of 4 stars). 3 submissions from 3 submitters: Uncertain significance (1). 2 of the submissions do not count toward it. Last evaluated 2022-10-13.

Conditions:
Usher syndrome type 1C. Also called: USHER SYNDROME, TYPE I, ACADIAN VARIETY. Identifiers: Orphanet 231169, Orphanet 886, MedGen C1848604, MONDO:0010171, OMIM 276904.
USH1C-related disorder. Also called: USH1C-related condition.

Allele frequency attached by ClinVar (database versions not stated): TOPMed 0.00004.
gnomAD v4.1: 8 of 1,613,948 alleles (0.0005%); highest among the groups gnomAD compares: Admixed American, 0.012%; no homozygotes.

Submissions (3):

Labcorp Genetics (formerly Invitae), Labcorp
Classification: Uncertain significance. Last evaluated: 2022-10-13. Review status: criteria provided, single submitter. Criteria: Invitae Variant Classification Sherloc (09022015). Collection method: clinical testing. Allele origin: germline.
Comment: This sequence change replaces serine, which is neutral and polar, with tryptophan, which is neutral and slightly polar, at codon 190 of the USH1C protein (p.Ser190Trp). This variant is present in population databases (no rsID available, gnomAD 0.009%). This variant has not been reported in the literature in individuals affected with USH1C-related conditions. ClinVar contains an entry for this variant (Variation ID: 839494). Algorithms developed to predict the effect of missense changes on protein structure and function (SIFT, PolyPhen-2, Align-GVGD) all suggest that this variant is likely to be disruptive. Algorithms developed to predict the effect of sequence changes on RNA splicing suggest that this variant may create or strengthen a splice site. In summary, the available evidence is currently insufficient to determine the role of this variant in disease. Therefore, it has been classified as a Variant of Uncertain Significance.

PreventionGenetics, part of Exact Sciences
Classification: Uncertain significance for USH1C-related condition. Last evaluated: 2024-09-10. Review status: no assertion criteria provided. Collection method: clinical testing. Allele origin: germline. Not counted in ClinVar's aggregate classification.
Comment: The USH1C c.569C>G variant is predicted to result in the amino acid substitution p.Ser190Trp. To our knowledge, this variant has not been reported in the literature. This variant is reported in 0.0085% of alleles in individuals of Latino descent in gnomAD. At this time, the clinical significance of this variant is uncertain due to the absence of conclusive functional and genetic evidence.

Natera, Inc.
Classification: Uncertain significance for Usher syndrome type 1C. Last evaluated: 2020-09-16. Review status: no assertion criteria provided. Collection method: clinical testing. Allele origin: germline. Not counted in ClinVar's aggregate classification.

NM_153676.4(USH1C):c.569C>G (p.Ser190Trp)

Gene: USH1C (USH1 protein network component harmonin; minus strand). Cytogenetic location: 11p15.1.
Variant type: single nucleotide variant.
Coding change: c.569C>G on transcript NM_153676.4 (MANE Select); coding-DNA position 569, C replaced by G.
Protein change: p.Ser190Trp; replaces serine 190 with tryptophan.
Molecular consequence: missense variant. On other transcripts: non-coding transcript variant (1).
Genome position (GRCh38, 1-based): chr11:17,526,763, G>C on the plus strand (C>G on the coding strand, the complement: USH1C is on the minus strand). VCF-style: chr11-17526763-G-C. GRCh37 (hg19) VCF-style: chr11-17548310-G-C.
Other names: c.569C>G, p.Ser190Trp (NM_001297764.2, NM_005709.4); c.569C>G (NM_153676.3); short protein forms S190W.
Identifiers: ClinVar variation 839494 (VCV000839494.5), dbSNP rs200319849, ClinGen allele CA218461064.
Genomic context (GRCh38, chr11:17,526,763, plus strand): 5'-CCTTGAAGATGACCCCACCCAAACCCCATCACAGGAGGTCTGGCCCTTACCCCAGATTCC[G>C]ACACAAACTGATCCACATACTGCCAAGTGAGGGGCTCATCAGGAGAGCTGATGGGAAGGG-3'
Protein context (NP_710142.1, residues 180-200): LTWQYVDQFV[Ser190Trp]ESGGVRGSLG